The following is an entry in ClinVar:

NM_001128840.3(CACNA1D):c.6484T>C (p.Ter2162Gln)

Gene: CACNA1D (calcium voltage-gated channel subunit alpha1 D; plus strand). Cytogenetic location: 3p21.1.
Variant type: single nucleotide variant.
Coding change: c.6484T>C on transcript NM_001128840.3 (MANE Select); coding-DNA position 6484, T replaced by C.
Protein change: p.Ter2162Gln.
Molecular consequence: stop lost.
Genome position (GRCh38, 1-based): chr3:53,811,404, T>C. VCF-style: chr3-53811404-T-C. GRCh37 (hg19) VCF-style: chr3-53845431-T-C.
Other names: c.6544T>C, p.Ter2182Gln (NM_000720.4); c.6412T>C, p.Ter2138Gln (NM_001128839.3).
Identifiers: ClinVar variation 1975256 (VCV001975256.5), dbSNP rs2474581619, ClinGen allele CA353259972.

ClinVar aggregate classification (germline): Uncertain significance (1 of 4 stars; one submission).

Allele frequency attached by ClinVar (database versions not stated): gnomAD exomes below 0.00001.
gnomAD v4.1: 1 of 1,555,018 alleles (0.000064%); highest among the groups gnomAD compares: Non-Finnish European, 0.000087%; no homozygotes.

Submission:

Labcorp Genetics (formerly Invitae), Labcorp
Classification: Uncertain significance. Last evaluated: 2023-11-27. Review status: criteria provided, single submitter. Criteria: Invitae Variant Classification Sherloc (09022015). Collection method: clinical testing. Allele origin: germline.
Comment: This sequence change disrupts the translational stop signal of the CACNA1D mRNA. It is expected to extend the length of the CACNA1D protein by 24 additional amino acid residues. This variant is not present in population databases (gnomAD no frequency). This variant has not been reported in the literature in individuals affected with CACNA1D-related conditions. ClinVar contains an entry for this variant (Variation ID: 1975256). Experimental studies and prediction algorithms are not available or were not evaluated, and the functional significance of this variant is currently unknown. Algorithms developed to predict the effect of sequence changes on RNA splicing suggest that this variant may create or strengthen a splice site. In summary, the available evidence is currently insufficient to determine the role of this variant in disease. Therefore, it has been classified as a Variant of Uncertain Significance.